The following is an entry in ClinVar:

NM_000038.6(APC):c.6494C>G (p.Pro2165Arg)

Gene: APC (APC regulator of Wnt signaling pathway; plus strand). Cytogenetic location: 5q22.2.
Variant type: single nucleotide variant.
Coding change: c.6494C>G on transcript NM_000038.6 (MANE Select); coding-DNA position 6494, C replaced by G.
Protein change: p.Pro2165Arg; replaces proline 2165 with arginine.
Molecular consequence: missense variant.
Genome position (GRCh38, 1-based): chr5:112,842,088, C>G. VCF-style: chr5-112842088-C-G. GRCh37 (hg19) VCF-style: chr5-112177785-C-G.
Other names: c.6494C>G, p.Pro2165Arg (NM_001127510.3, NM_001354895.2); c.6440C>G, p.Pro2147Arg (NM_001127511.3); c.6548C>G, p.Pro2183Arg (NM_001354896.2); c.6524C>G, p.Pro2175Arg (NM_001354897.2); c.6419C>G, p.Pro2140Arg (NM_001354898.2); c.6410C>G, p.Pro2137Arg (NM_001354899.2); c.6371C>G, p.Pro2124Arg (NM_001354900.2); c.6317C>G, p.Pro2106Arg (NM_001354901.2); and 5 more; short protein forms P2064R, P2074R, P2183R, P2165R, P1882R, P2005R, P2106R, P2140R.
Identifiers: ClinVar variation 1369258 (VCV001369258.8), dbSNP rs1766228192, ClinGen allele CA16035544.

ClinVar aggregate classification (germline): Uncertain significance (1 of 4 stars; one submission).

Conditions:
Familial adenomatous polyposis 1 (FAP1). Also called: FAMILIAL ADENOMATOUS POLYPOSIS 1, ATTENUATED; POLYPOSIS, ADENOMATOUS INTESTINAL. Identifiers: MedGen C2713442, MONDO:0021056, OMIM 175100. Disease mechanism: loss of function.

Submission:

Labcorp Genetics (formerly Invitae), Labcorp
Classification: Uncertain significance for Familial adenomatous polyposis 1. Last evaluated: 2021-07-22. Review status: criteria provided, single submitter. Criteria: Invitae Variant Classification Sherloc (09022015). Collection method: clinical testing. Allele origin: germline.
Comment: This variant has not been reported in the literature in individuals affected with APC-related conditions. In summary, the available evidence is currently insufficient to determine the role of this variant in disease. Therefore, it has been classified as a Variant of Uncertain Significance. Algorithms developed to predict the effect of missense changes on protein structure and function are either unavailable or do not agree on the potential impact of this missense change (SIFT: "Deleterious"; PolyPhen-2: "Probably Damaging"; Align-GVGD: "Class C15"). This variant is not present in population databases (ExAC no frequency). This sequence change replaces proline with arginine at codon 2165 of the APC protein (p.Pro2165Arg). The proline residue is highly conserved and there is a moderate physicochemical difference between proline and arginine.